The following is an entry in ClinVar:

ClinVar aggregate classification (germline): Uncertain significance (1 of 4 stars; one submission).

Conditions:
ATP8B1-related disorder. Also called: ATP8B1-related disorders; ATP8B1-related condition.

gnomAD v4.1: 6 of 1,614,056 alleles (0.00037%); highest among the groups gnomAD compares: African/African-American, 0.008%; no homozygotes.

Submission:

PreventionGenetics, part of Exact Sciences
Classification: Uncertain significance for ATP8B1-related condition. Last evaluated: 2026-08-04. Review status: criteria provided, single submitter. Criteria: ACMG Guidelines, 2015. Collection method: clinical testing. Allele origin: germline.
Comment: The ATP8B1 c.3200C>T variant is predicted to result in the amino acid substitution p.Ser1067Phe. To our knowledge, this variant has not been reported in the literature. This variant is reported in 0.023% of alleles in individuals of African descent in gnomAD. At this time, the clinical significance of this variant is uncertain due to the absence of conclusive functional and genetic evidence.

NM_001374385.1(ATP8B1):c.3200C>T (p.Ser1067Phe)

Genes: ATP8B1 (ATPase phospholipid transporting 8B1; minus strand), ATP8B1-AS1 (ATP8B1 antisense RNA 1; plus strand). Cytogenetic location: 18q21.31.
Variant type: single nucleotide variant.
Coding change: c.3200C>T on transcript NM_001374385.1 (MANE Select); coding-DNA position 3200, C replaced by T.
Protein change: p.Ser1067Phe; replaces serine 1067 with phenylalanine.
Molecular consequence: missense variant.
Genome position (GRCh38, 1-based): chr18:57,652,545, G>A on the plus strand (C>T on the coding strand, the complement: ATP8B1 is on the minus strand). VCF-style: chr18-57652545-G-A. GRCh37 (hg19) VCF-style: chr18-55319777-G-A.
Other names: c.3050C>T, p.Ser1017Phe (NM_001374386.1); c.3200C>T, p.Ser1067Phe (NM_005603.6); short protein forms S1017F, S1067F.
Identifiers: ClinVar variation 4987177 (VCV004987177.1).